The following is an entry in ClinVar:

ClinVar aggregate classification (germline): Benign/Likely benign. Review status: criteria provided, multiple submitters, no conflicts (2 of 4 stars). 4 submissions from 4 submitters: Benign (2); Likely benign (2). Last evaluated 2026-06-18.

Conditions:
Retinoblastoma (RB1). Also called: RETINOBLASTOMA, SOMATIC. Identifiers: Orphanet 790, MedGen C0035335, MeSH D012175, MONDO:0008380, OMIM 180200, HP:0009919. Disease mechanism: loss of function. Inheritance: Both sporadic and heritable forms are tested..
Hereditary cancer-predisposing syndrome. Also called: Tumor predisposition; Hereditary Cancer Syndrome; Hereditary neoplastic syndrome; Neoplastic Syndromes, Hereditary. Identifiers: Orphanet 140162, MedGen C0027672, MeSH D009386, MONDO:0015356.

Allele frequency attached by ClinVar (database versions not stated): ExAC 0.00007; TOPMed 0.00002; gnomAD exomes 0.00006; gnomAD 0.00001.
gnomAD v4.1: 18 of 1,600,434 alleles (0.0011%); highest among the groups gnomAD compares: Admixed American, 0.03%; no homozygotes.

Submissions (4):

Myriad Genetics, Inc.
Classification: Likely benign for Retinoblastoma. Last evaluated: 2026-06-18. Review status: criteria provided, single submitter. Criteria: Myriad Autosomal Dominant, Autosomal Recessive and X-Linked Classification Criteria (2023). Collection method: clinical testing. Allele origin: unknown.
Comment: This variant is considered likely benign. This variant is intronic and is not expected to impact mRNA splicing.

Labcorp Genetics (formerly Invitae), Labcorp
Classification: Benign for Retinoblastoma. Last evaluated: 2025-12-18. Review status: criteria provided, single submitter. Criteria: Invitae Variant Classification Sherloc (09022015). Collection method: clinical testing. Allele origin: germline.

Color Diagnostics, LLC DBA Color Health
Classification: Benign for Retinoblastoma. Last evaluated: 2022-04-26. Review status: criteria provided, single submitter. Criteria: ACMG Guidelines, 2015. Collection method: clinical testing. Allele origin: germline.

Ambry Genetics
Classification: Likely benign for Hereditary cancer-predisposing syndrome. Last evaluated: 2018-09-30. Review status: criteria provided, single submitter. Criteria: Ambry Variant Classification Scheme 2023. Collection method: clinical testing. Allele origin: germline.

NM_000321.3(RB1):c.540-3T>C

Gene: RB1 (RB transcriptional corepressor 1; plus strand). Cytogenetic location: 13q14.2.
Variant type: single nucleotide variant.
Coding change: c.540-3T>C on transcript NM_000321.3 (MANE Select); 3 bases into the intron before coding-DNA position 540, T replaced by C.
Molecular consequence: intron variant.
Genome position (GRCh38, 1-based): chr13:48,348,953, T>C. VCF-style: chr13-48348953-T-C. GRCh37 (hg19) VCF-style: chr13-48923089-T-C.
Identifiers: ClinVar variation 825704 (VCV000825704.16), dbSNP rs149703672, ClinGen allele CA038705.